The following is an entry in ClinVar:

NM_000059.4(BRCA2):c.7947dup (p.Glu2650fs)

Gene: BRCA2 (BRCA2 DNA repair associated; plus strand). Cytogenetic location: 13q13.1.
Variant type: Duplication.
Coding change: c.7947dup on transcript NM_000059.4 (MANE Select); coding-DNA position 7947, one base duplicated (A; older notation c.7947dupA).
Protein change: p.Glu2650fs; shifts the reading frame from glutamic acid 2650.
Molecular consequence: frameshift variant.
Genome position (GRCh38, 1-based): chr13:32,362,664, A duplicated. VCF-style (leftmost placement, unchanged base first): chr13-32362663-C-CA. GRCh37 (hg19) VCF-style: chr13-32936800-C-CA.
Other names: 8175dupA; short protein forms E2650fs.
Identifiers: ClinVar variation 267044 (VCV000267044.5), dbSNP rs886040736, ClinGen allele CA10589459.

ClinVar aggregate classification (germline): Pathogenic. Review status: reviewed by expert panel (3 of 4 stars). 2 submissions from 2 submitters: Pathogenic (1). 1 of the submissions does not count toward it. Last evaluated 2016-10-18.

Conditions:
Breast-ovarian cancer, familial, susceptibility to, 2 (BROVCA2). Also called: BRCA2 Hereditary Breast and Ovarian Cancer. Identifiers: Orphanet 145, MedGen C2675520, MONDO:0012933, OMIM 612555. Disease mechanism: loss of function.

Allele frequency attached by ClinVar (database versions not stated): gnomAD exomes below 0.00001.

Submissions (2):

Evidence-based Network for the Interpretation of Germline Mutant Alleles (ENIGMA)
Classification: Pathogenic for Breast-ovarian cancer, familial, susceptibility to, 2. Last evaluated: 2016-10-18. Review status: reviewed by expert panel. Criteria: ENIGMA BRCA1/2 Classification Criteria (2015). Collection method: curation. Allele origin: germline.
Comment: Variant allele predicted to encode a truncated non-functional protein.

Consortium of Investigators of Modifiers of BRCA1/2 (CIMBA), c/o University of Cambridge
Classification: Pathogenic for Breast-ovarian cancer, familial, susceptibility to, 2. Last evaluated: 2015-10-02. Review status: criteria provided, single submitter. Criteria: CIMBA Mutation Classification guidelines May 2016. Collection method: clinical testing. Allele origin: germline. Not counted in ClinVar's aggregate classification.